The following is an entry in ClinVar:

ClinVar aggregate classification (germline): Uncertain significance (1 of 4 stars; one submission).

Conditions:
Pituitary hormone deficiency, combined, 1 (CPHD1). Also called: Pituitary hormone deficiency, combined or isolated, 1. Identifiers: MedGen C2751608, MONDO:0024464, OMIM 613038.

Submission:

Juno Genomics, Hangzhou Juno Genomics, Inc
Classification: Uncertain significance for Pituitary hormone deficiency, combined, 1. Review status: criteria provided, single submitter. Criteria: ACMG Guidelines, 2015. Collection method: clinical testing. Allele origin: germline.
Comment: Absent from controls (or at extremely low frequency if recessive) in Genome Aggregation Database.;Multiple lines of computational evidence support a deleterious effect on the gene or gene product.

NM_000306.4(POU1F1):c.487T>C (p.Ser163Pro)

Gene: POU1F1 (POU class 1 homeobox 1; minus strand). Cytogenetic location: 3p11.2.
Variant type: single nucleotide variant.
Coding change: c.487T>C on transcript NM_000306.4 (MANE Select); coding-DNA position 487, T replaced by C.
Protein change: p.Ser163Pro; replaces serine 163 with proline.
Molecular consequence: missense variant.
Genome position (GRCh38, 1-based): chr3:87,262,188, A>G on the plus strand (T>C on the coding strand, the complement: POU1F1 is on the minus strand). VCF-style: chr3-87262188-A-G. GRCh37 (hg19) VCF-style: chr3-87311338-A-G.
Other names: c.565T>C, p.Ser189Pro (NM_001122757.3); short protein forms S189P, S163P.
Identifiers: ClinVar variation 5006702 (VCV005006702.2).